The following is an entry in ClinVar:

NM_018003.4(UACA):c.2458A>G (p.Ile820Val)

Gene: UACA (uveal autoantigen with coiled-coil domains and ankyrin repeats; minus strand). Cytogenetic location: 15q23.
Variant type: single nucleotide variant.
Coding change: c.2458A>G on transcript NM_018003.4 (MANE Select); coding-DNA position 2458, A replaced by G.
Protein change: p.Ile820Val; replaces isoleucine 820 with valine.
Molecular consequence: missense variant.
Genome position (GRCh38, 1-based): chr15:70,668,226, T>C on the plus strand (A>G on the coding strand, the complement: UACA is on the minus strand). VCF-style: chr15-70668226-T-C. GRCh37 (hg19) VCF-style: chr15-70960565-T-C.
Other names: c.2419A>G, p.Ile807Val (NM_001008224.3); short protein forms I807V, I820V.
Identifiers: ClinVar variation 776920 (VCV000776920.5), dbSNP rs144149272, ClinGen allele CA7637001.

ClinVar aggregate classification (germline): Benign. Review status: criteria provided, single submitter (1 of 4 stars). 2 submissions from 2 submitters: Benign (1). 1 of the submissions does not count toward it. Last evaluated 2018-04-04.

Conditions:
UACA-related disorder. Also called: UACA-related condition.

Allele frequency attached by ClinVar (database versions not stated): gnomAD exomes 0.00073 and 0.00178; ExAC 0.00225; gnomAD 0.00644 and 0.00674; TOPMed 0.00720; ESP Exome Variant Server 0.00770; 1000 Genomes Project 0.00779; 1000 Genomes Project 30x 0.00781.
gnomAD v4.1: 2,086 of 1,613,162 alleles (0.13%); highest among the groups gnomAD compares: African/African-American, 2.3%; 19 homozygotes.

Submissions (2):

Labcorp Genetics (formerly Invitae), Labcorp
Classification: Benign. Last evaluated: 2018-04-04. Review status: criteria provided, single submitter. Criteria: Invitae Variant Classification Sherloc (09022015). Collection method: clinical testing. Allele origin: germline.

PreventionGenetics, part of Exact Sciences
Classification: Benign for UACA-related condition. Last evaluated: 2019-07-30. Review status: no assertion criteria provided. Collection method: clinical testing. Allele origin: germline. Not counted in ClinVar's aggregate classification.
Comment: This variant is classified as benign based on ACMG/AMP sequence variant interpretation guidelines (Richards et al. 2015 PMID: 25741868, with internal and published modifications).